The following is an entry in ClinVar:

ClinVar aggregate classification (germline): Uncertain significance (1 of 4 stars; one submission).

Conditions:
Nemaline myopathy 2 (NEM2). Also called: Nemaline myopathy 2, autosomal recessive. Identifiers: MedGen C1850569, MONDO:0009725, OMIM 256030.

Submission:

Labcorp Genetics (formerly Invitae), Labcorp
Classification: Uncertain significance for Nemaline myopathy 2. Last evaluated: 2022-04-24. Review status: criteria provided, single submitter. Criteria: Invitae Variant Classification Sherloc (09022015). Collection method: clinical testing. Allele origin: germline.
Comment: This sequence change replaces methionine, which is neutral and non-polar, with leucine, which is neutral and non-polar, at codon 694 of the NEB protein (p.Met694Leu). This variant is not present in population databases (gnomAD no frequency). This variant has not been reported in the literature in individuals affected with NEB-related conditions. Algorithms developed to predict the effect of missense changes on protein structure and function output the following: SIFT: "Deleterious"; PolyPhen-2: "Not Available"; Align-GVGD: "Class C0". The leucine amino acid residue is found in multiple mammalian species, which suggests that this missense change does not adversely affect protein function. In summary, the available evidence is currently insufficient to determine the role of this variant in disease. Therefore, it has been classified as a Variant of Uncertain Significance.

NM_001164508.2(NEB):c.2080A>C (p.Met694Leu)

Gene: NEB (nebulin; minus strand). Cytogenetic location: 2q23.3.
Variant type: single nucleotide variant.
Coding change: c.2080A>C on transcript NM_001164508.2 (MANE Select); coding-DNA position 2080, A replaced by C.
Protein change: p.Met694Leu; replaces methionine 694 with leucine.
Molecular consequence: missense variant.
Genome position (GRCh38, 1-based): chr2:151,692,085, T>G on the plus strand (A>C on the coding strand, the complement: NEB is on the minus strand). VCF-style: chr2-151692085-T-G. GRCh37 (hg19) VCF-style: chr2-152548599-T-G.
Other names: c.2080A>C, p.Met694Leu (NM_001164507.2, NM_001271208.2, NM_004543.5); short protein forms M694L.
Identifiers: ClinVar variation 1952582 (VCV001952582.2), dbSNP rs759702416, ClinGen allele CA348823840.
Genomic context (GRCh38, chr2:151,692,085, plus strand): 5'-ACTGTGAGGCATGAACCATTGTCTTCAAACTTACATCACTGTTTTGAGCTGCAACTTTCA[T>G]GCAGTGTGTGTGATATGGGTCCTCCATGCTGCCTACATAATGTCCCAAAACATCCTTTAC-3'
Protein context (NP_001157980.2, residues 684-704): SMEDPYHTHC[Met694Leu]KVAAQNSDKS